The following is an entry in ClinVar:

ClinVar aggregate classification (germline): Uncertain significance. Review status: criteria provided, multiple submitters, no conflicts (2 of 4 stars). 2 submissions from 2 submitters: Uncertain significance (2). Last evaluated 2024-10-15.

Conditions:
Hereditary cancer-predisposing syndrome. Also called: Tumor predisposition; Neoplastic Syndromes, Hereditary; Hereditary neoplastic syndrome; Hereditary Cancer Syndrome. Identifiers: Orphanet 140162, MedGen C0027672, MeSH D009386, MONDO:0015356.
EGFR-related lung cancer (EGFR). Identifiers: MedGen CN130014.

gnomAD v4.1: 1 of 1,614,146 alleles (0.000062%); highest among the groups gnomAD compares: Non-Finnish European, 0.000085%; no homozygotes.

Submissions (2):

Ambry Genetics
Classification: Uncertain significance for Hereditary cancer-predisposing syndrome. Last evaluated: 2024-10-15. Review status: criteria provided, single submitter. Criteria: Ambry Variant Classification Scheme 2023. Collection method: clinical testing. Allele origin: germline.
Comment: The p.G1189D variant (also known as c.3566G>A), located in coding exon 28 of the EGFR gene, results from a G to A substitution at nucleotide position 3566. The glycine at codon 1189 is replaced by aspartic acid, an amino acid with similar properties. This amino acid position is conserved. In addition, this alteration is predicted to be tolerated by in silico analysis. Based on the available evidence, the clinical significance of this variant remains unclear.

Labcorp Genetics (formerly Invitae), Labcorp
Classification: Uncertain significance for EGFR-related lung cancer. Last evaluated: 2023-06-20. Review status: criteria provided, single submitter. Criteria: Invitae Variant Classification Sherloc (09022015). Collection method: clinical testing. Allele origin: germline.
Comment: In summary, the available evidence is currently insufficient to determine the role of this variant in disease. Therefore, it has been classified as a Variant of Uncertain Significance. An algorithm developed to predict the effect of missense changes on protein structure and function (PolyPhen-2) suggests that this variant is likely to be tolerated. ClinVar contains an entry for this variant (Variation ID: 1018033). This variant has not been reported in the literature in individuals affected with EGFR-related conditions. This variant is not present in population databases (gnomAD no frequency). This sequence change replaces glycine, which is neutral and non-polar, with aspartic acid, which is acidic and polar, at codon 1189 of the EGFR protein (p.Gly1189Asp).

NM_005228.5(EGFR):c.3566G>A (p.Gly1189Asp)

Gene: EGFR (epidermal growth factor receptor; plus strand). Cytogenetic location: 7p11.2.
Variant type: single nucleotide variant.
Coding change: c.3566G>A on transcript NM_005228.5 (MANE Select); coding-DNA position 3566, G replaced by A.
Protein change: p.Gly1189Asp; replaces glycine 1189 with aspartic acid.
Molecular consequence: missense variant.
Genome position (GRCh38, 1-based): chr7:55,205,550, G>A. VCF-style: chr7-55205550-G-A. GRCh37 (hg19) VCF-style: chr7-55273243-G-A.
Other names: c.3431G>A, p.Gly1144Asp (NM_001346899.2); c.3407G>A, p.Gly1136Asp (NM_001346900.2); c.2765G>A, p.Gly922Asp (NM_001346941.2); c.3566G>A (NM_005228.3); short protein forms G1136D, G1144D, G1189D, G922D.
Identifiers: ClinVar variation 1018033 (VCV001018033.9), dbSNP rs747600559, ClinGen allele CA367584911.